The following is an entry in ClinVar:

NM_001330260.2(SCN8A):c.2139A>C (p.Glu713Asp)

Gene: SCN8A (sodium voltage-gated channel alpha subunit 8; plus strand). Cytogenetic location: 12q13.13.
Variant type: single nucleotide variant.
Coding change: c.2139A>C on transcript NM_001330260.2 (MANE Select); coding-DNA position 2139, A replaced by C.
Protein change: p.Glu713Asp; replaces glutamic acid 713 with aspartic acid.
Molecular consequence: missense variant.
Genome position (GRCh38, 1-based): chr12:51,751,362, A>C. VCF-style: chr12-51751362-A-C. GRCh37 (hg19) VCF-style: chr12-52145146-A-C.
Other names: c.2139A>C, p.Glu713Asp (NM_001177984.3, NM_001369788.1, NM_014191.4); short protein forms E713D.
Identifiers: ClinVar variation 838164 (VCV000838164.53), dbSNP rs1218269439, ClinGen allele CA384879692.
Genomic context (GRCh38, chr12:51,751,362, plus strand): 5'-CCCTGGTTTTCTTGCTGTGATTGAGGGGCCATCTTTGTTCTTACTTACTGTAGAACTGGA[A>C]GAGTCTCAGAGAAAGTGCCCGCCATGCTGGTATAAATTTGCCAACACTTTCCTCATCTGG-3'
Protein context (NP_001317189.1, residues 703-723): VVTNTLVEEL[Glu713Asp]ESQRKCPPCW

ClinVar aggregate classification (germline): Uncertain significance. Review status: criteria provided, multiple submitters, no conflicts (2 of 4 stars). 4 submissions from 4 submitters: Uncertain significance (4). Last evaluated 2026-02-06.

Conditions:
Early-infantile DEE. Also called: Early infantile epileptic encephalopathy; Ohtahara syndrome; Early infantile epileptic encephalopathy with suppression bursts. Identifiers: Orphanet 1934, MedGen C0393706, MONDO:0800491.
Cognitive impairment with or without cerebellar ataxia (CIAT). Identifiers: MedGen C3280415, MONDO:0013680, OMIM 614306.
Developmental and epileptic encephalopathy, 13 (DEE13). Also called: Developmental and Epileptic Encephalopathy (SCN8A-DEE); SCN8A-Related Epilepsy; Early infantile epileptic encephalopathy 13. Identifiers: Orphanet 442835, MedGen C3281191, MONDO:0013801, OMIM 614558.
Myoclonus, familial, 2. Identifiers: MedGen C5193056, MONDO:0100092, OMIM 618364.
Seizures, benign familial infantile, 5 (BFIS5). Also called: CONVULSIONS, BENIGN FAMILIAL INFANTILE, 5. Identifiers: Orphanet 306, MedGen C4310728, MONDO:0014903, OMIM 617080.

Allele frequency attached by ClinVar (database versions not stated): TOPMed 0.00001; gnomAD 0.00001; gnomAD exomes below 0.00001.
gnomAD v4.1: 29 of 1,611,672 alleles (0.0018%); highest among the groups gnomAD compares: Non-Finnish European, 0.0024%; no homozygotes.

Submissions (4):

Women's Health and Genetics/Laboratory Corporation of America, LabCorp
Classification: Uncertain significance. Last evaluated: 2026-02-06. Review status: criteria provided, single submitter. Criteria: LabCorp Variant Classification Summary - May 2015. Collection method: clinical testing. Allele origin: germline.
Comment: Variant summary: SCN8A c.2139A>C (p.Glu713Asp) results in a conservative amino acid change in the encoded protein sequence. Algorithms developed to predict the effect of missense changes on protein structure and function are either unavailable or do not agree on the potential impact of this missense change. The variant allele was found at a frequency of 4e-06 in 247990 control chromosomes. The available data on variant occurrences in the general population are insufficient to allow any conclusion about variant significance. To our knowledge, no occurrence of c.2139A>C in individuals affected with SCN8A-related conditions has been reported. At least one publication reports experimental evidence evaluating an impact on protein function, however, it does not allow convincing conclusions about the variant effect (Vanoye_2023). The following publication has been ascertained in the context of this evaluation (PMID: 38014225). ClinVar contains an entry for this variant (Variation ID: 838164). Based on the evidence outlined above, the variant was classified as uncertain significance.

Labcorp Genetics (formerly Invitae), Labcorp
Classification: Uncertain significance for Early-infantile DEE. Last evaluated: 2021-05-18. Review status: criteria provided, single submitter. Criteria: Invitae Variant Classification Sherloc (09022015). Collection method: clinical testing. Allele origin: germline.
Comment: This sequence change replaces glutamic acid with aspartic acid at codon 713 of the SCN8A protein (p.Glu713Asp). The glutamic acid residue is highly conserved and there is a small physicochemical difference between glutamic acid and aspartic acid. This variant is not present in population databases (ExAC no frequency). In summary, the available evidence is currently insufficient to determine the role of this variant in disease. Therefore, it has been classified as a Variant of Uncertain Significance. Algorithms developed to predict the effect of missense changes on protein structure and function are either unavailable or do not agree on the potential impact of this missense change (SIFT: "Deleterious"; PolyPhen-2: "Possibly Damaging"; Align-GVGD: "Class C0"). This variant has not been reported in the literature in individuals with SCN8A-related conditions.

CeGaT Center for Human Genetics Tuebingen
Classification: Uncertain significance. Last evaluated: 2019-10-01. Review status: criteria provided, single submitter. Criteria: CeGaT Center For Human Genetics Tuebingen Variant Classification Criteria Version 2. Collection method: clinical testing. Allele origin: germline. Affected: yes. Observed: 1 variant allele.

Center for Genomics, Ann and Robert H. Lurie Children's Hospital of Chicago
Classification: Uncertain significance for Myoclonus, familial, 2; Seizures, benign familial infantile, 5; Cognitive impairment with or without cerebellar ataxia; Developmental and epileptic encephalopathy, 13. Review status: criteria provided, single submitter. Criteria: ACMG Guidelines, 2015. Collection method: clinical testing. Allele origin: germline.
Comment: SCN8A NM_014191.3 exon 14 p.Glu713Asp (c.2139A>C): This variant has not been reported in the literature but is present in 1/111010 European alleles in the Genome Aggregation Database. Evolutionary conservation suggests that this variant may impact the protein; computational predictive tools for this variant are unclear. In summary, data on this variant is insufficient for disease classification. Therefore, the clinical significance of this variant is uncertain.

Literature cited by the submitters: PubMed 38014225 (cited by Women's Health and Genetics/Laboratory Corporation of America, LabCorp).